The following is an entry in ClinVar:

ClinVar aggregate classification (germline): Conflicting classifications of pathogenicity. Review status: criteria provided, conflicting classifications (1 of 4 stars). 2 submissions from 2 submitters: Uncertain significance (1); Likely benign (1). Last evaluated 2022-07-01.

Conditions:
Surfactant metabolism dysfunction, pulmonary, 4 (SMDP4). Also called: CSF2RA DEFICIENCY; PAP DUE TO CSF2RA DEFICIENCY; PULMONARY ALVEOLAR PROTEINOSIS, CONGENITAL, 4. Identifiers: Orphanet 264675, MedGen C2677877, MONDO:0010424, OMIM 300770.

Allele frequency attached by ClinVar (database versions not stated): gnomAD exomes 0.00001 and 0.00002; ExAC 0.00002; TOPMed 0.00003; ESP Exome Variant Server 0.00008; gnomAD 0.00004.

Submissions (2):

Labcorp Genetics (formerly Invitae), Labcorp
Classification: Uncertain significance for Surfactant metabolism dysfunction, pulmonary, 4. Last evaluated: 2022-07-01. Review status: criteria provided, single submitter. Criteria: Invitae Variant Classification Sherloc (09022015). Collection method: clinical testing. Allele origin: germline.
Comment: This sequence change replaces threonine, which is neutral and polar, with methionine, which is neutral and non-polar, at codon 230 of the CSF2RA protein (p.Thr230Met). This variant is present in population databases (no rsID available, gnomAD 0.03%). This variant has not been reported in the literature in individuals affected with CSF2RA-related conditions. ClinVar contains an entry for this variant (Variation ID: 1012852). Algorithms developed to predict the effect of missense changes on protein structure and function are either unavailable or do not agree on the potential impact of this missense change (SIFT: "Tolerated"; PolyPhen-2: "Possibly Damaging"; Align-GVGD: "Class C0"). In summary, the available evidence is currently insufficient to determine the role of this variant in disease. Therefore, it has been classified as a Variant of Uncertain Significance.

CeGaT Center for Human Genetics Tuebingen
Classification: Likely benign. Last evaluated: 2020-07-01. Review status: criteria provided, single submitter. Criteria: CeGaT Center For Human Genetics Tuebingen Variant Classification Criteria Version 2. Collection method: clinical testing. Allele origin: germline. Affected: yes. Observed: 1 variant allele.

NM_172245.4(CSF2RA):c.689C>T (p.Thr230Met)

Gene: CSF2RA (colony stimulating factor 2 receptor subunit alpha; plus strand). Cytogenetic location: Xp22.33.
Variant type: single nucleotide variant.
Coding change: c.689C>T on transcript NM_172245.4 (MANE Select); coding-DNA position 689, C replaced by T.
Protein change: p.Thr230Met; replaces threonine 230 with methionine.
Molecular consequence: missense variant. On other transcripts: non-coding transcript variant (1), intron variant (1), nonsense (1).
Genome position (GRCh38, 1-based): chrX:1,294,370, C>T. VCF-style: chrX-1294370-C-T. GRCh37 (hg19) VCF-style: chrX-1413263-C-T.
Other names: c.646+3861C>T (NM_172249.4); c.689C>T, p.Thr230Met (NM_001161529.2, NM_001161530.2, NM_001161531.2 and 18 more transcripts); c.290C>T, p.Thr97Met (NM_001161532.2); c.670C>T, p.Arg224Ter (NM_001379166.1); short protein forms R224*, T230M, T97M.
Identifiers: ClinVar variation 1012852 (VCV001012852.41), dbSNP rs371464087, ClinGen allele CA10330952.
Genomic context (GRCh38, chrX:1,294,370, plus strand): 5'-CCTGCGCCCTCGTTACAGAACGATTCAACCCTCCCAGCAATGTCACCGTACGTTGCAACA[C>T]GACGCACTGCCTCGTACGGTGGAAACAGCCCAGGACCTATCAGAAGCTGTCGTACCTGGA-3'
Protein context (NP_758448.1, residues 220-240): PPSNVTVRCN[Thr230Met]THCLVRWKQP